The following is an entry in ClinVar:

NM_002439.5(MSH3):c.2294C>G (p.Pro765Arg)

Gene: MSH3 (mutS homolog 3; plus strand). Cytogenetic location: 5q14.1.
Variant type: single nucleotide variant.
Coding change: c.2294C>G on transcript NM_002439.5 (MANE Select); coding-DNA position 2294, C replaced by G.
Protein change: p.Pro765Arg; replaces proline 765 with arginine.
Molecular consequence: missense variant.
Genome position (GRCh38, 1-based): chr5:80,775,734, C>G. VCF-style: chr5-80775734-C-G. GRCh37 (hg19) VCF-style: chr5-80071553-C-G.
Other names: short protein forms P765R.
Identifiers: ClinVar variation 946741 (VCV000946741.9), dbSNP rs1397708022, ClinGen allele CA360280876.

ClinVar aggregate classification (germline): Uncertain significance (1 of 4 stars; one submission).

Submission:

Labcorp Genetics (formerly Invitae), Labcorp
Classification: Uncertain significance. Last evaluated: 2019-05-27. Review status: criteria provided, single submitter. Criteria: Invitae Variant Classification Sherloc (09022015). Collection method: clinical testing. Allele origin: germline.
Comment: In summary, the available evidence is currently insufficient to determine the role of this variant in disease. Therefore, it has been classified as a Variant of Uncertain Significance. Algorithms developed to predict the effect of missense changes on protein structure and function are either unavailable or do not agree on the potential impact of this missense change (SIFT: "Deleterious"; PolyPhen-2: "Probably Damaging"; Align-GVGD: "Class C0"). This sequence change replaces proline with arginine at codon 765 of the MSH3 protein (p.Pro765Arg). The proline residue is highly conserved and there is a moderate physicochemical difference between proline and arginine. This variant is not present in population databases (ExAC no frequency). This variant has not been reported in the literature in individuals with MSH3-related conditions.